The following is an entry in ClinVar:

NM_144997.7(FLCN):c.105T>A (p.Asn35Lys)

Gene: FLCN (folliculin; minus strand). Cytogenetic location: 17p11.2.
Variant type: single nucleotide variant.
Coding change: c.105T>A on transcript NM_144997.7 (MANE Select); coding-DNA position 105, T replaced by A.
Protein change: p.Asn35Lys; replaces asparagine 35 with lysine.
Molecular consequence: missense variant.
Genome position (GRCh38, 1-based): chr17:17,228,033, A>T on the plus strand (T>A on the coding strand, the complement: FLCN is on the minus strand). VCF-style: chr17-17228033-A-T. GRCh37 (hg19) VCF-style: chr17-17131347-A-T.
Other names: c.105T>A, p.Asn35Lys (NM_001353229.2, NM_001353230.2, NM_001353231.2 and 1 more transcripts); short protein forms N35K.
Identifiers: ClinVar variation 4257930 (VCV004257930.1).

ClinVar aggregate classification (germline): Uncertain significance (1 of 4 stars; one submission).

Conditions:
Hereditary cancer-predisposing syndrome. Also called: Hereditary Cancer Syndrome; Hereditary neoplastic syndrome; Neoplastic Syndromes, Hereditary; Tumor predisposition. Identifiers: Orphanet 140162, MedGen C0027672, MeSH D009386, MONDO:0015356.

Submission:

Ambry Genetics
Classification: Uncertain significance for Hereditary cancer-predisposing syndrome. Last evaluated: 2025-07-25. Review status: criteria provided, single submitter. Criteria: Ambry Variant Classification Scheme 2023. Collection method: clinical testing. Allele origin: germline.
Comment: The p.N35K variant (also known as c.105T>A), located in coding exon 1 of the FLCN gene, results from a T to A substitution at nucleotide position 105. The asparagine at codon 35 is replaced by lysine, an amino acid with similar properties. This amino acid position is conserved. In addition, this alteration is predicted to be tolerated by in silico analysis. Based on the available evidence, the clinical significance of this variant remains unclear.